The following is an entry in ClinVar:

ClinVar aggregate classification (germline): Benign. Review status: reviewed by expert panel (3 of 4 stars). 16 submissions from 16 submitters: Benign (1). 15 of the submissions do not count toward it. Last evaluated 2025-09-02.

Conditions:
Maturity-onset diabetes of the young (MODY). Also called: Maturity onset diabetes mellitus in young. Identifiers: Orphanet 552, MedGen C0342276, MONDO:0018911, HP:0004904.
Monogenic diabetes. Identifiers: Orphanet 183625, MedGen C3888631, MONDO:0015967.
Type 2 diabetes mellitus. Also called: Type II diabetes mellitus. Identifiers: MedGen C0011860, MeSH D003924, MONDO:0005148, OMIM 125853, HP:0005978.
HNF1A-related disorder. Also called: HNF1A-related condition.
Maturity-onset diabetes of the young type 3. Also called: MODY type 3; MODY, type III. Identifiers: Orphanet 552, MedGen C1838100, MeSH C563933, MONDO:0010894, OMIM 600496. Disease mechanism: loss of function.
Type 1 diabetes mellitus 20 (T1D20). Also called: Diabetes mellitus, insulin-dependent, 20. Identifiers: MedGen C2675866, MONDO:0012919, OMIM 612520.
Hepatic adenomas, familial. Also called: HEPATIC ADENOMA, SOMATIC; LIVER CELL ADENOMAS, FAMILIAL. Identifiers: MedGen C1840646, MONDO:0007718, OMIM 142330.
Nonpapillary renal cell carcinoma. Identifiers: Orphanet 422526, MedGen CN074294, MONDO:0007763, OMIM 144700.
Diabetes mellitus type 1 (T1D). Also called: Type I diabetes mellitus; Diabetes Mellitus, Juvenile-Onset. Identifiers: MedGen C0011854, MONDO:0005147, OMIM 222100, HP:0100651.

Allele frequency attached by ClinVar (database versions not stated): TOPMed 0.00015.
gnomAD v4.1: 197 of 1,613,810 alleles (0.012%); highest among the groups gnomAD compares: Admixed American, 0.067%; 1 homozygote.

Submissions 1 to 8 of 16:

ClinGen Monogenic Diabetes Variant Curation Expert Panel
Classification: Benign for Monogenic diabetes. Last evaluated: 2025-09-02. Review status: reviewed by expert panel. Criteria: ClinGen Diabetes ACMG Specifications HNF1A V3.0.0. Collection method: curation. Allele origin: germline. Inheritance: Autosomal dominant inheritance.
Comment: The c.1135C>G variant in the HNF1 homeobox A gene, HNF1A, causes an amino acid change of proline to alanine at codon 379 (p.(Pro379Ala)) of NM_000545.8. This variant is predicted to be deleterious by computational evidence, with a REVEL score of 0.9639, which is greater than the MDEP VCEP threshold of 0.70 (PP3). While this variant has been identified in >20 unrelated individuals with diabetes in the literature (ClinVar ID 431970, PMID:18003757, 23348805, 29207974, 21761282, 23607861), the Grpmax Filtering allele frequency in gnomAD v4.1.0 of 0.0005027, which is greater than the MDEP threshold for BA1 (>0.0001) (BA1). Therefore, PS4 cannot be applied. Another missense variant, c.1136C>G p.Pro379Arg, has been classified as pathogenic by the ClinGen MDEP but this variant has a greater Grantham distance than p.Pro379Ala (PM5_Supporting). In summary, the c.1135C>G meets the criteria to be classified as benign for monogenic diabetes. ACMG/AMP criteria applied, as specified by the ClinGen MDEP (specification version 3.0.0, approved 6/30/2025): BA1, PP3, PM5_Supporting. It may, however, confer an increased risk of type 2 diabetes (OR = 11.8, p = 0.0007324 at an online resource).

Labcorp Genetics (formerly Invitae), Labcorp
Classification: Uncertain significance. Last evaluated: 2026-01-26. Review status: criteria provided, single submitter. Criteria: Invitae Variant Classification Sherloc (09022015). Collection method: clinical testing. Allele origin: germline. Not counted in ClinVar's aggregate classification.
Comment: This sequence change replaces proline, which is neutral and non-polar, with alanine, which is neutral and non-polar, at codon 379 of the HNF1A protein (p.Pro379Ala). This variant is present in population databases (rs754729248, gnomAD 0.08%), including at least one homozygous and/or hemizygous individual. This missense change has been observed in individual(s) with maturity-onset diabetes of the young (PMID: 18003757, 31264968). ClinVar contains an entry for this variant (Variation ID: 431970). Invitae Evidence Modeling of protein sequence and biophysical properties (such as structural, functional, and spatial information, amino acid conservation, physicochemical variation, residue mobility, and thermodynamic stability) indicates that this missense variant is not expected to disrupt HNF1A protein function with a negative predictive value of 80%. Experimental studies have shown that this missense change affects HNF1A function (PMID: 23607861). In summary, the available evidence is currently insufficient to determine the role of this variant in disease. Therefore, it has been classified as a Variant of Uncertain Significance.

Women's Health and Genetics/Laboratory Corporation of America, LabCorp
Classification: Likely benign. Last evaluated: 2025-05-19. Review status: criteria provided, single submitter. Criteria: LabCorp Variant Classification Summary - May 2015. Collection method: clinical testing. Allele origin: germline. Not counted in ClinVar's aggregate classification.
Comment: Variant summary: HNF1A c.1135C>G (p.Pro379Ala) results in a non-conservative amino acid change located in the Hepatocyte nuclear factor 1, beta isoform, C-terminal domain (IPR006897) of the encoded protein sequence. Algorithms developed to predict the effect of missense changes on protein structure and function all suggest that this variant is likely to be disruptive. The variant allele was found at a frequency of 0.00019 in 250080 control chromosomes, predominantly at a frequency of 0.00078 within the Latino subpopulation in the gnomAD database, including 1 homozygotes. The observed variant frequency within Latino control individuals in the gnomAD database is approximately 31-fold of the estimated maximal expected allele frequency for a pathogenic variant in HNF1A causing Maturity Onset Diabetes Of The Young 3 phenotype (2.5e-05). c.1135C>G has been reported in the literature in individuals affected with Diabetes without evidence of familial inheritance and/or clinical features of HNF1A-associated MODY3 and unspecified cancer (e.g. Bellanne-Chantelot_2008, Ekholm_2013, Bansal_2017, Huang_2018, Kleinberger_2018, Yu_2019, Billings_2022, Kim_2021, Saad_2022). These reports do not provide unequivocal conclusions about association of the variant with Maturity Onset Diabetes Of The Young 3. A different variant affecting the same codon has been classified as likely pathogenic/pathogenic by our lab (c.1136C>G, p.Pro379Arg), supporting the critical relevance of codon 379 to HNF1A protein function. One publication reports that the variant had increased induction of the CYP7A1 promotor when transiently transfected into HuH7 cells, but had no effects of the activation or repression of other promotors in HuH7 or Caco2 cells (Ekholm_2013), suggesting the variant may not cause loss of function. The following publications have been ascertained in the context of this evaluation (PMID: 29207974, 18003757, 36208030, 23607861, 30155490, 34308104, 29758564, 35150601, 31264968). ClinVar contains an entry for this variant (Variation ID: 431970). Based on the evidence outlined above, the variant was classified as likely benign.

PreventionGenetics, part of Exact Sciences
Classification: Likely benign for HNF1A-related condition. Last evaluated: 2025-01-06. Review status: criteria provided, single submitter. Criteria: ACMG Guidelines, 2015. Collection method: clinical testing. Allele origin: germline. Not counted in ClinVar's aggregate classification.
Comment: This variant is classified as likely benign based on ACMG/AMP sequence variant interpretation guidelines (Richards et al. 2015 PMID: 25741868, with internal and published modifications).

Blueprint Genetics
Classification: Uncertain significance. Last evaluated: 2024-11-13. Review status: criteria provided, single submitter. Criteria: ACMG Guidelines, 2015. Collection method: clinical testing. Allele origin: germline. Not counted in ClinVar's aggregate classification.

Athena Diagnostics
Classification: Likely benign. Last evaluated: 2024-03-25. Review status: criteria provided, single submitter. Criteria: Athena Diagnostics Criteria. Collection method: clinical testing. Allele origin: unknown. Not counted in ClinVar's aggregate classification.

Ambry Genetics
Classification: Uncertain significance for Maturity-onset diabetes of the young. Last evaluated: 2024-01-29. Review status: criteria provided, single submitter. Criteria: Ambry Variant Classification Scheme 2023. Collection method: clinical testing. Allele origin: germline. Not counted in ClinVar's aggregate classification.
Comment: The p.P379A variant (also known as c.1135C>G), located in coding exon 6 of the HNF1A gene, results from a C to G substitution at nucleotide position 1135. The proline at codon 379 is replaced by alanine, an amino acid with highly similar properties. This variant was identified in multiple families suspected of having maturity-onset diabetes of the young (Bellann&eacute;-Chantelot C et al. Diabetes, 2008 Feb;57:503-8; Ekholm E et al. Acta Diabetol, 2012 Oct;49:349-54; Colclough K et al. Hum. Mutat., 2013 May;34:669-85; Bansal V et al. BMC Med, 2017 Dec;15:213). Based on data from gnomAD, the frequency for this variant is above the maximum credible frequency for a disease-causing variant in this gene based on internally established thresholds (Karczewski et al. Nature. 2020 May;581(7809):434-443; Whiffin et al. Genet Med. 2017 10;19:1151-1158). This amino acid position is highly conserved in available vertebrate species. In addition, this alteration is predicted to be deleterious by in silico analysis. Based on the available evidence, the clinical significance of this alteration remains unclear.

GeneDx
Classification: Likely benign. Last evaluated: 2024-01-16. Review status: criteria provided, single submitter. Criteria: GeneDx Variant Classification Process June 2021. Collection method: clinical testing. Allele origin: germline. Affected: yes. Not counted in ClinVar's aggregate classification.
Comment: See Variant Classification Assertion Criteria.

NM_000545.8(HNF1A):c.1135C>G (p.Pro379Ala)

Gene: HNF1A (HNF1 homeobox A; plus strand). Cytogenetic location: 12q24.31.
Variant type: single nucleotide variant.
Coding change: c.1135C>G on transcript NM_000545.8 (MANE Select); coding-DNA position 1135, C replaced by G.
Protein change: p.Pro379Ala; replaces proline 379 with alanine.
Molecular consequence: missense variant.
Genome position (GRCh38, 1-based): chr12:120,996,568, C>G. VCF-style: chr12-120996568-C-G. GRCh37 (hg19) VCF-style: chr12-121434371-C-G.
Other names: NM_000545.8(HNF1A):c.1135C>G; c.1135C>G (NM_000545.6, NM_000545.6); c.1135C>G, p.Pro379Ala (NM_001306179.2); short protein forms P379A.
Identifiers: ClinVar variation 431970 (VCV000431970.76), dbSNP rs754729248, ClinGen allele CA6831955.